The following is an entry in ClinVar:

NM_152564.5(VPS13B):c.5533dup (p.Thr1845fs)

Gene: VPS13B (vacuolar protein sorting 13 homolog B; plus strand). Cytogenetic location: 8q22.2.
Variant type: Duplication.
Coding change: c.5533dup on transcript NM_152564.5 (MANE Select); coding-DNA position 5533, one base duplicated (A; older notation c.5533dupA).
Protein change: p.Thr1845fs; shifts the reading frame from threonine 1845.
Molecular consequence: frameshift variant.
Genome position (GRCh38, 1-based): chr8:99,642,123, A duplicated; the last of 6 consecutive A bases (chr8:99,642,118-99,642,123); duplicating any one gives the same sequence. VCF-style (leftmost placement, unchanged base first): chr8-99642117-G-GA. GRCh37 (hg19) VCF-style: chr8-100654345-G-GA.
Other names: c.5608dupA (NM_017890.4); c.5608dup, p.Thr1870fs (NM_017890.5); short protein forms T1845fs, T1870fs.
Identifiers: ClinVar variation 645667 (VCV000645667.7), dbSNP rs1176397159, ClinGen allele CA584327623.

ClinVar aggregate classification (germline): Pathogenic/Likely pathogenic. Review status: criteria provided, multiple submitters, no conflicts (2 of 4 stars). 2 submissions from 2 submitters: Pathogenic (1); Likely pathogenic (1). Last evaluated 2024-11-14.

Conditions:
Cohen syndrome (COH1). Also called: PEPPER SYNDROME; Cutis verticis gyrata, retinitis pigmentosa, and sensorineural deafness. Identifiers: Orphanet 193, MedGen C0265223, MONDO:0008999, OMIM 216550.

Submissions (2):

Natera, Inc.
Classification: Likely pathogenic for Cohen syndrome. Last evaluated: 2024-11-14. Review status: criteria provided, single submitter. Criteria: Natera Variant Classification Schema (03/2026). Collection method: clinical testing. Allele origin: germline.
Comment: The c.5608dupA variant in VPS13B is a frameshift variant predicted to shift the reading frame beginning at codon 1870 and leads to a stop codon 12 codons downstream. This variant is expected to result in nonsense mediated decay, truncation, or a dysfunctional protein product. This variant is rare in the general population with a frequency below the threshold expected for the associated phenotype(s). Given the available evidence, this variant is classified as Likely Pathogenic.

Labcorp Genetics (formerly Invitae), Labcorp
Classification: Pathogenic for Cohen syndrome. Last evaluated: 2023-06-13. Review status: criteria provided, single submitter. Criteria: Invitae Variant Classification Sherloc (09022015). Collection method: clinical testing. Allele origin: germline.
Comment: This sequence change creates a premature translational stop signal (p.Thr1870Asnfs*12) in the VPS13B gene. It is expected to result in an absent or disrupted protein product. Loss-of-function variants in VPS13B are known to be pathogenic (PMID: 15141358, 16648375, 20461111). This variant is present in population databases (no rsID available, gnomAD 0.002%). This variant has not been reported in the literature in individuals affected with VPS13B-related conditions. ClinVar contains an entry for this variant (Variation ID: 645667). For these reasons, this variant has been classified as Pathogenic.

Literature cited by the submitters: PubMed 15141358 (cited by Labcorp Genetics (formerly Invitae), Labcorp); PubMed 16648375 (cited by Labcorp Genetics (formerly Invitae), Labcorp); PubMed 20461111 (cited by Labcorp Genetics (formerly Invitae), Labcorp).